The following is an entry in ClinVar:

NM_133433.4(NIPBL):c.7097A>C (p.Gln2366Pro)

Gene: NIPBL (NIPBL cohesin loading factor; plus strand). Cytogenetic location: 5p13.2.
Variant type: single nucleotide variant.
Coding change: c.7097A>C on transcript NM_133433.4 (MANE Select); coding-DNA position 7097, A replaced by C.
Protein change: p.Gln2366Pro; replaces glutamine 2366 with proline.
Molecular consequence: missense variant.
Genome position (GRCh38, 1-based): chr5:37,052,400, A>C. VCF-style: chr5-37052400-A-C. GRCh37 (hg19) VCF-style: chr5-37052502-A-C.
Other names: c.7097A>C, p.Gln2366Pro (NM_015384.5); short protein forms Q2366P.
Identifiers: ClinVar variation 2089707 (VCV002089707.4), dbSNP rs528591545, ClinGen allele CA359511163.

ClinVar aggregate classification (germline): Pathogenic (1 of 4 stars; one submission).

Conditions:
Cornelia de Lange syndrome 1 (CDLS1). Also called: Brachmann de Lange syndrome; NIPBL-Related Cornelia de Lange Syndrome; TYPUS DEGENERATIVUS AMSTELODAMENSIS. Identifiers: Orphanet 199, MedGen C4551851, MONDO:0007387, OMIM 122470.

Submission:

Labcorp Genetics (formerly Invitae), Labcorp
Classification: Pathogenic for Cornelia de Lange syndrome 1. Last evaluated: 2022-04-25. Review status: criteria provided, single submitter. Criteria: Invitae Variant Classification Sherloc (09022015). Collection method: clinical testing. Allele origin: germline.
Comment: For these reasons, this variant has been classified as Pathogenic. Advanced modeling of protein sequence and biophysical properties (such as structural, functional, and spatial information, amino acid conservation, physicochemical variation, residue mobility, and thermodynamic stability) performed at Invitae indicates that this missense variant is expected to disrupt NIPBL protein function. This missense change has been observed in individual(s) with clinical features of Cornelia de Lange syndrome (Invitae). In at least one individual the variant was observed to be de novo. This variant is not present in population databases (gnomAD no frequency). This sequence change replaces glutamine, which is neutral and polar, with proline, which is neutral and non-polar, at codon 2366 of the NIPBL protein (p.Gln2366Pro).